The following is an entry in ClinVar:

ClinVar aggregate classification (germline): Uncertain significance (1 of 4 stars; one submission).

Conditions:
Neuronopathy, distal hereditary motor, type 7B. Also called: HMN VIIB; NEURONOPATHY, DISTAL HEREDITARY MOTOR, AUTOSOMAL DOMINANT 14; NEURONOPATHY, DISTAL HEREDITARY MOTOR, HARDING TYPE VIIB; NEUROPATHY, DISTAL HEREDITARY MOTOR, HARDING TYPE VIIB; NEUROPATHY, DISTAL HEREDITARY MOTOR, WITH VOCAL CORD PARALYSIS, HARDING TYPE VIIB; LOWER MOTOR NEURON DISEASE, DYNACTIN TYPE. Identifiers: Orphanet 139589, MedGen C1843315, MONDO:0011879, OMIM 607641.
Perry syndrome. Also called: PARKINSONISM WITH ALVEOLAR HYPOVENTILATION AND MENTAL DEPRESSION. Identifiers: Orphanet 178509, MedGen C1868594, MONDO:0008201, OMIM 168605.
Amyotrophic lateral sclerosis type 1 (ALS1). Also called: AMYOTROPHIC LATERAL SCLEROSIS 1, FAMILIAL. Identifiers: Orphanet 803, MedGen C1862939, MONDO:0007103, OMIM 105400.

Allele frequency attached by ClinVar (database versions not stated): gnomAD exomes below 0.00001 and 0.00001; TOPMed below 0.00001; ExAC 0.00001.
gnomAD v4.1: 3 of 1,614,180 alleles (0.00019%); highest among the groups gnomAD compares: South Asian, 0.0011%; no homozygotes.

Submission:

Labcorp Genetics (formerly Invitae), Labcorp
Classification: Uncertain significance for Amyotrophic lateral sclerosis type 1; Neuronopathy, distal hereditary motor, type 7B; Perry syndrome. Last evaluated: 2022-07-26. Review status: criteria provided, single submitter. Criteria: Invitae Variant Classification Sherloc (09022015). Collection method: clinical testing. Allele origin: germline.
Comment: ClinVar contains an entry for this variant (Variation ID: 1433141). This variant has not been reported in the literature in individuals affected with DCTN1-related conditions. This variant is present in population databases (rs749196418, gnomAD 0.003%). This sequence change replaces arginine, which is basic and polar, with glutamine, which is neutral and polar, at codon 11 of the DCTN1 protein (p.Arg11Gln). Algorithms developed to predict the effect of missense changes on protein structure and function are either unavailable or do not agree on the potential impact of this missense change (SIFT: "Deleterious"; PolyPhen-2: "Benign"; Align-GVGD: "Class C0"). In summary, the available evidence is currently insufficient to determine the role of this variant in disease. Therefore, it has been classified as a Variant of Uncertain Significance.

NM_004082.5(DCTN1):c.32G>A (p.Arg11Gln)

Gene: DCTN1 (dynactin subunit 1; minus strand). Cytogenetic location: 2p13.1.
Variant type: single nucleotide variant.
Coding change: c.32G>A on transcript NM_004082.5 (MANE Select); coding-DNA position 32, G replaced by A.
Protein change: p.Arg11Gln; replaces arginine 11 with glutamine.
Molecular consequence: missense variant. On other transcripts: intron variant (3).
Genome position (GRCh38, 1-based): chr2:74,380,006, C>T on the plus strand (G>A on the coding strand, the complement: DCTN1 is on the minus strand). VCF-style: chr2-74380006-C-T. GRCh37 (hg19) VCF-style: chr2-74607133-C-T.
Other names: c.-18-1761G>A (NM_001378991.1, NM_001190836.2, NM_001378992.1); c.32G>A, p.Arg11Gln (NM_001135040.3, NM_001190837.2); short protein forms R11Q.
Identifiers: ClinVar variation 1433141 (VCV001433141.6), dbSNP rs749196418, ClinGen allele CA1722636.